The following is an entry in ClinVar:

NM_152564.5(VPS13B):c.6487A>G (p.Ile2163Val)

Gene: VPS13B (vacuolar protein sorting 13 homolog B; plus strand). Cytogenetic location: 8q22.2.
Variant type: single nucleotide variant.
Coding change: c.6487A>G on transcript NM_152564.5 (MANE Select); coding-DNA position 6487, A replaced by G.
Protein change: p.Ile2163Val; replaces isoleucine 2163 with valine.
Molecular consequence: missense variant.
Genome position (GRCh38, 1-based): chr8:99,717,203, A>G. VCF-style: chr8-99717203-A-G. GRCh37 (hg19) VCF-style: chr8-100729431-A-G.
Other names: c.6562A>G, p.Ile2188Val (NM_017890.5); c.6487A>G (NM_152564.4); short protein forms I2163V, I2188V.
Identifiers: ClinVar variation 197015 (VCV000197015.9), dbSNP rs794727599, ClinGen allele CA244900.

ClinVar aggregate classification (germline): Uncertain significance. Review status: criteria provided, multiple submitters, no conflicts (2 of 4 stars). 5 submissions from 5 submitters: Uncertain significance (4). 1 of the submissions does not count toward it. Last evaluated 2025-06-13.

Conditions:
VPS13B-related disorder. Also called: VPS13B-related condition.
Cohen syndrome (COH1). Also called: PEPPER SYNDROME; Cutis verticis gyrata, retinitis pigmentosa, and sensorineural deafness. Identifiers: Orphanet 193, MedGen C0265223, MONDO:0008999, OMIM 216550.

Allele frequency attached by ClinVar (database versions not stated): gnomAD 0.00001; gnomAD exomes 0.00001.
gnomAD v4.1: 4 of 1,613,764 alleles (0.00025%); highest among the groups gnomAD compares: Non-Finnish European, 0.00034%; no homozygotes.

Submissions (5):

PreventionGenetics, part of Exact Sciences
Classification: Uncertain significance for VPS13B-related condition. Last evaluated: 2025-06-13. Review status: criteria provided, single submitter. Criteria: ACMG Guidelines, 2015. Collection method: clinical testing. Allele origin: germline.
Comment: The VPS13B c.6487A>G variant is predicted to result in the amino acid substitution p.Ile2163Val. To our knowledge, this variant has not been reported in the literature or in a large population database (gnomAD), indicating this variant is rare. At this time, the clinical significance of this variant is uncertain due to the absence of conclusive functional and genetic evidence.

GeneDx
Classification: Uncertain significance. Last evaluated: 2019-11-01. Review status: criteria provided, single submitter. Criteria: GeneDx Variant Classification Process June 2021. Collection method: clinical testing. Allele origin: germline. Affected: yes.
Comment: Not observed in large population cohorts (Lek et al., 2016); In silico analysis, which includes protein predictors and evolutionary conservation, supports that this variant does not alter protein structure/function; Has not been previously published as pathogenic or benign to our knowledge

Blueprint Genetics
Classification: Uncertain significance. Last evaluated: 2018-03-21. Review status: criteria provided, single submitter. Criteria: ACMG Guidelines, 2015. Collection method: clinical testing. Allele origin: germline.

Eurofins Ntd Llc (ga)
Classification: Uncertain significance. Last evaluated: 2015-01-06. Review status: criteria provided, single submitter. Criteria: EGL Classification Definitions 2015. Collection method: clinical testing. Allele origin: germline. Observed: 1 variant allele, 1 heterozygote.

Natera, Inc.
Classification: Uncertain significance for Cohen syndrome. Last evaluated: 2020-12-01. Review status: no assertion criteria provided. Collection method: clinical testing. Allele origin: germline. Not counted in ClinVar's aggregate classification.